The following is an entry in ClinVar:

ClinVar aggregate classification (germline): Uncertain significance. Review status: criteria provided, multiple submitters, no conflicts (2 of 4 stars). 3 submissions from 3 submitters: Uncertain significance (3). Last evaluated 2025-11-26.

Allele frequency attached by ClinVar (database versions not stated): gnomAD exomes 0.00001; TOPMed 0.00001; gnomAD 0.00001; ExAC 0.00002.
gnomAD v4.1: 10 of 1,613,990 alleles (0.00062%); highest among the groups gnomAD compares: Admixed American, 0.0033%; no homozygotes.

Submissions (3):

Ambry Genetics
Classification: Uncertain significance. Last evaluated: 2025-11-26. Review status: criteria provided, single submitter. Criteria: Ambry Variant Classification Scheme 2023. Collection method: clinical testing. Allele origin: germline.

Dasa
Classification: Uncertain significance. Last evaluated: 2025-05-21. Review status: criteria provided, single submitter. Criteria: DASA Assertion Criteria. Collection method: clinical testing. Allele origin: germline.
Comment: NM_001447.3(FAT2):c.5192G>A (p.Arg1731Gln) is a missense variant that results in the substitution of arginine with glutamine. This variant is rare in population databases. Computational prediction algorithms are consistent with a benign effect. The currently available literature and clinical evidence are not sufficient to establish a definitive association between this variant and the reported condition. Therefore, this variant is classified as a variant of uncertain significance.

Clinical Genetics Laboratory, Skane University Hospital Lund
Classification: Uncertain significance. Last evaluated: 2023-09-04. Review status: criteria provided, single submitter. Criteria: ACMG Guidelines, 2015. Collection method: clinical testing. Allele origin: germline. Affected: yes.

NM_001447.3(FAT2):c.5192G>A (p.Arg1731Gln)

Genes: FAT2 (FAT atypical cadherin 2; minus strand), SLC36A1 (solute carrier family 36 member 1; plus strand). Cytogenetic location: 5q33.1.
Variant type: single nucleotide variant.
Coding change: c.5192G>A on transcript NM_001447.3 (MANE Select); coding-DNA position 5192, G replaced by A.
Protein change: p.Arg1731Gln; replaces arginine 1731 with glutamine.
Molecular consequence: missense variant.
Genome position (GRCh38, 1-based): chr5:151,545,935, C>T on the plus strand (G>A on the coding strand, the complement: FAT2 is on the minus strand). VCF-style: chr5-151545935-C-T. GRCh37 (hg19) VCF-style: chr5-150925496-C-T.
Other names: short protein forms R1731Q.
Identifiers: ClinVar variation 2549819 (VCV002549819.6), dbSNP rs770352714, ClinGen allele CA3521363.